The following is an entry in ClinVar:

NM_002109.6(HARS1):c.115C>G (p.Leu39Val)

Gene: HARS1 (histidyl-tRNA synthetase 1; minus strand). Cytogenetic location: 5q31.3.
Variant type: single nucleotide variant.
Coding change: c.115C>G on transcript NM_002109.6 (MANE Select); coding-DNA position 115, C replaced by G.
Protein change: p.Leu39Val; replaces leucine 39 with valine.
Molecular consequence: missense variant.
Genome position (GRCh38, 1-based): chr5:140,690,920, G>C on the plus strand (C>G on the coding strand, the complement: HARS1 is on the minus strand). VCF-style: chr5-140690920-G-C. GRCh37 (hg19) VCF-style: chr5-140070505-G-C.
Other names: c.115C>G, p.Leu39Val (NM_001258040.3, NM_001258041.3, NM_001258042.3 and 2 more transcripts); c.28C>G, p.Leu10Val (NM_001289094.2); short protein forms L39V, L10V.
Identifiers: ClinVar variation 938899 (VCV000938899.9), dbSNP rs201729757, ClinGen allele CA361191491.

ClinVar aggregate classification (germline): Uncertain significance (1 of 4 stars; one submission).

Conditions:
Usher syndrome type 3B. Also called: USHER SYNDROME, TYPE IIIB. Identifiers: MedGen C3281066, MONDO:0013788, OMIM 614504.

gnomAD v4.1: 1 of 1,609,282 alleles (0.000062%); highest among the groups gnomAD compares: Non-Finnish European, 0.000085%; no homozygotes.

Submission:

Labcorp Genetics (formerly Invitae), Labcorp
Classification: Uncertain significance for Usher syndrome type 3B. Last evaluated: 2019-10-15. Review status: criteria provided, single submitter. Criteria: Invitae Variant Classification Sherloc (09022015). Collection method: clinical testing. Allele origin: germline.
Comment: This sequence change replaces leucine with valine at codon 39 of the HARS protein (p.Leu39Val). The leucine residue is moderately conserved and there is a small physicochemical difference between leucine and valine. This variant is not present in population databases (ExAC no frequency). This variant has not been reported in the literature in individuals with HARS-related conditions. Algorithms developed to predict the effect of missense changes on protein structure and function (SIFT, PolyPhen-2, Align-GVGD) all suggest that this variant is likely to be tolerated, but these predictions have not been confirmed by published functional studies and their clinical significance is uncertain. In summary, the available evidence is currently insufficient to determine the role of this variant in disease. Therefore, it has been classified as a Variant of Uncertain Significance.